The following is an entry in ClinVar:

ClinVar aggregate classification (germline): Pathogenic (1 of 4 stars; one submission).

Conditions:
Charcot-Marie-Tooth disease type 4. Also called: Charcot-Marie-Tooth disease, type IV; Charcot-Marie-Tooth, Type 4. Identifiers: Orphanet 64749, MedGen C4082197, MONDO:0018995.

gnomAD v4.1: 2 of 1,614,036 alleles (0.00012%); highest among the groups gnomAD compares: Admixed American, 0.0033%; no homozygotes.

Submission:

Labcorp Genetics (formerly Invitae), Labcorp
Classification: Pathogenic for Charcot-Marie-Tooth disease type 4. Last evaluated: 2025-09-10. Review status: criteria provided, single submitter. Criteria: Invitae Variant Classification Sherloc (09022015). Collection method: clinical testing. Allele origin: germline.
Comment: This sequence change creates a premature translational stop signal (p.Leu490*) in the FIG4 gene. It is expected to result in an absent or disrupted protein product. Loss-of-function variants in FIG4 are known to be pathogenic (PMID: 23623387, 30740813). This variant is present in population databases (no rsID available, gnomAD 0.003%). This variant has not been reported in the literature in individuals affected with FIG4-related conditions. ClinVar contains an entry for this variant (Variation ID: 3008006). For these reasons, this variant has been classified as Pathogenic.

Literature cited by the submitters: PubMed 23623387; PubMed 30740813.

NM_014845.6(FIG4):c.1469T>G (p.Leu490Ter)

Gene: FIG4 (FIG4 phosphoinositide 5-phosphatase; plus strand). Cytogenetic location: 6q21.
Variant type: single nucleotide variant.
Coding change: c.1469T>G on transcript NM_014845.6 (MANE Select); coding-DNA position 1469, T replaced by G.
Protein change: p.Leu490Ter; replaces leucine 490 with a stop codon.
Molecular consequence: nonsense.
Genome position (GRCh38, 1-based): chr6:109,765,047, T>G. VCF-style: chr6-109765047-T-G. GRCh37 (hg19) VCF-style: chr6-110086250-T-G.
Other names: short protein forms L490*.
Identifiers: ClinVar variation 3008006 (VCV003008006.3), dbSNP rs1261940378, ClinGen allele CA365227561.